The following is an entry in ClinVar:

NM_017721.5(CC2D1A):c.2745C>T (p.Phe915=)

Gene: CC2D1A (coiled-coil and C2 domain containing 1A; plus strand). Cytogenetic location: 19p13.12.
Variant type: single nucleotide variant.
Coding change: c.2745C>T on transcript NM_017721.5 (MANE Select); coding-DNA position 2745, C replaced by T.
Protein change: p.Phe915=; no amino-acid change (phenylalanine 915 retained).
Molecular consequence: synonymous variant.
Genome position (GRCh38, 1-based): chr19:13,930,112, C>T. VCF-style: chr19-13930112-C-T. GRCh37 (hg19) VCF-style: chr19-14040925-C-T.
Other names: c.2742C>T, p.Phe914= (NM_001411138.1).
Identifiers: ClinVar variation 2649407 (VCV002649407.24), dbSNP rs1334642123, ClinGen allele CA505683697.
Genomic context (GRCh38, chr19:13,930,112, plus strand): 5'-TCCATTCCCCCGCCATCCATTCTCAGAATACGCAGCCCAGCTGGAGCGGCAGCTGCAGTT[C>T]TACACGGAGGCTGCCCGGCGCCTGGGCAACGATGGCAGCAGGGTGAGCTGGTCGCGGGCC-3'
Protein context (NP_060191.3, residues 905-925): YAAQLERQLQ[Phe915=]YTEAARRLGN

ClinVar aggregate classification (germline): Likely benign (1 of 4 stars; one submission).

Submission:

CeGaT Center for Human Genetics Tuebingen
Classification: Likely benign. Last evaluated: 2022-08-01. Review status: criteria provided, single submitter. Criteria: CeGaT Center For Human Genetics Tuebingen Variant Classification Criteria Version 2. Collection method: clinical testing. Allele origin: germline. Affected: yes. Observed: 1 variant allele.
Comment: CC2D1A: PM2:Supporting, BP4, BP7